The following is an entry in ClinVar:

ClinVar aggregate classification (germline): Likely benign (1 of 4 stars; one submission).

Conditions:
Malignant hyperthermia, susceptibility to, 5 (MHS5). Also called: CACNA1S-Related Malignant Hyperthermia Susceptibility. Identifiers: Orphanet 423, MedGen C1866077, MONDO:0011163, OMIM 601887.

Allele frequency attached by ClinVar (database versions not stated): gnomAD exomes below 0.00001.

Submission:

All of Us Research Program, National Institutes of Health
Classification: Likely benign for Malignant hyperthermia, susceptibility to, 5. Last evaluated: 2023-08-28. Review status: criteria provided, single submitter. Criteria: ACMG Guidelines, 2015. Collection method: clinical testing. Allele origin: germline. Inheritance: Autosomal dominant inheritance. Observed: 1 variant allele, 1 heterozygote.
Comment: This study involves interpretation of variants in research participants for the purpose of population health screening. Participant phenotype was not available at the time of variant classification. Additional details can be found in publication PMID: 35346344, PMCID: PMC8962531

NM_000069.3(CACNA1S):c.156C>T (p.Pro52=)

Gene: CACNA1S (calcium voltage-gated channel subunit alpha1 S; minus strand). Cytogenetic location: 1q32.1.
Variant type: single nucleotide variant.
Coding change: c.156C>T on transcript NM_000069.3 (MANE Select); coding-DNA position 156, C replaced by T.
Protein change: p.Pro52=; no amino-acid change (proline 52 retained).
Molecular consequence: synonymous variant.
Genome position (GRCh38, 1-based): chr1:201,110,266, G>A on the plus strand (C>T on the coding strand, the complement: CACNA1S is on the minus strand). VCF-style: chr1-201110266-G-A. GRCh37 (hg19) VCF-style: chr1-201079394-G-A.
Identifiers: ClinVar variation 3073229 (VCV003073229.1), dbSNP rs1290982109, ClinGen allele CA422697514.